The following is an entry in ClinVar:

ClinVar aggregate classification (germline): Uncertain significance. Review status: criteria provided, multiple submitters, no conflicts (2 of 4 stars). 3 submissions from 3 submitters: Uncertain significance (3). Last evaluated 2026-01-20.

Allele frequency attached by ClinVar (database versions not stated): 1000 Genomes Project 30x 0.00016; 1000 Genomes Project 0.00020; ESP Exome Variant Server 0.00092.
gnomAD v4.1: 1,909 of 1,605,886 alleles (0.12%); highest among the groups gnomAD compares: Non-Finnish European, 0.15%; no homozygotes.

Submissions (3):

Labcorp Genetics (formerly Invitae), Labcorp
Classification: Uncertain significance. Last evaluated: 2026-01-20. Review status: criteria provided, single submitter. Criteria: Invitae Variant Classification Sherloc (09022015). Collection method: clinical testing. Allele origin: germline.
Comment: This sequence change replaces glutamic acid, which is acidic and polar, with glutamine, which is neutral and polar, at codon 286 of the DNAJC17 protein (p.Glu286Gln). This variant is present in population databases (rs142251536, gnomAD 0.1%), and has an allele count higher than expected for a pathogenic variant. This variant has not been reported in the literature in individuals affected with DNAJC17-related conditions. ClinVar contains an entry for this variant (Variation ID: 1361751). An algorithm developed to predict the effect of missense changes on protein structure and function (PolyPhen-2) suggests that this variant is likely to be disruptive. In summary, the available evidence is currently insufficient to determine the role of this variant in disease. Therefore, it has been classified as a Variant of Uncertain Significance.

Ambry Genetics
Classification: Uncertain significance. Last evaluated: 2021-10-06. Review status: criteria provided, single submitter. Criteria: Ambry Variant Classification Scheme 2023. Collection method: clinical testing. Allele origin: germline.

Breakthrough Genomics
Classification: Uncertain significance. Review status: criteria provided, single submitter. Criteria: ACMG Guidelines, 2015. Collection method: not provided. Allele origin: germline. Inheritance: Unknown mechanism. Affected: yes.

NM_018163.3(DNAJC17):c.856G>C (p.Glu286Gln)

Gene: DNAJC17 (DnaJ heat shock protein family (Hsp40) member C17; minus strand). Cytogenetic location: 15q15.1.
Variant type: single nucleotide variant.
Coding change: c.856G>C on transcript NM_018163.3 (MANE Select); coding-DNA position 856, G replaced by C.
Protein change: p.Glu286Gln; replaces glutamic acid 286 with glutamine.
Molecular consequence: missense variant.
Genome position (GRCh38, 1-based): chr15:40,767,999, C>G on the plus strand (G>C on the coding strand, the complement: DNAJC17 is on the minus strand). VCF-style: chr15-40767999-C-G. GRCh37 (hg19) VCF-style: chr15-41060197-C-G.
Other names: c.856G>C (NM_018163.2); short protein forms E286Q.
Identifiers: ClinVar variation 1361751 (VCV001361751.8), dbSNP rs142251536, ClinGen allele CA7484919.